The following is an entry in ClinVar:

ClinVar aggregate classification (germline): Uncertain significance (0 of 4 stars; one submission).

Conditions:
CDC42BPB-related disorder.

gnomAD v4.1: 31 of 1,612,956 alleles (0.0019%); highest among the groups gnomAD compares: Admixed American, 0.005%; no homozygotes.

Submission:

PreventionGenetics, part of Exact Sciences
Classification: Uncertain significance for CDC42BPB-related condition. Last evaluated: 2023-11-07. Review status: no assertion criteria provided. Collection method: clinical testing. Allele origin: germline.
Comment: The CDC42BPB c.1607G>A variant is predicted to result in the amino acid substitution p.Arg536His. To our knowledge, this variant has not been reported in the literature. This variant is reported in 0.0080% of alleles in individuals of African descent in gnomAD. At this time, the clinical significance of this variant is uncertain due to the absence of conclusive functional and genetic evidence.

NM_006035.4(CDC42BPB):c.1607G>A (p.Arg536His)

Gene: CDC42BPB (CDC42 binding protein kinase beta; minus strand). Cytogenetic location: 14q32.32.
Variant type: single nucleotide variant.
Coding change: c.1607G>A on transcript NM_006035.4 (MANE Select); coding-DNA position 1607, G replaced by A.
Protein change: p.Arg536His; replaces arginine 536 with histidine.
Molecular consequence: missense variant.
Genome position (GRCh38, 1-based): chr14:102,974,050, C>T on the plus strand (G>A on the coding strand, the complement: CDC42BPB is on the minus strand). VCF-style: chr14-102974050-C-T. GRCh37 (hg19) VCF-style: chr14-103440387-C-T.
Other names: c.1607G>A, p.Arg536His (NM_001411054.1); short protein forms R536H.
Identifiers: ClinVar variation 3031492 (VCV003031492.2), dbSNP rs144313805, ClinGen allele CA7361331.